The following is an entry in ClinVar:

NM_001378183.1(PIEZO2):c.6694+9C>T

Gene: PIEZO2 (piezo type mechanosensitive ion channel component 2; minus strand). Cytogenetic location: 18p11.22.
Variant type: single nucleotide variant.
Coding change: c.6694+9C>T on transcript NM_001378183.1 (MANE Select); 9 bases into the intron after coding-DNA position 6694, C replaced by T.
Molecular consequence: intron variant.
Genome position (GRCh38, 1-based): chr18:10,698,916, G>A on the plus strand (C>T on the coding strand, the complement: PIEZO2 is on the minus strand). VCF-style: chr18-10698916-G-A. GRCh37 (hg19) VCF-style: chr18-10698914-G-A.
Other names: c.6355+9C>T (NM_022068.4).
Identifiers: ClinVar variation 793790 (VCV000793790.5), dbSNP rs181261032, ClinGen allele CA295985445.

ClinVar aggregate classification (germline): Likely benign. Review status: criteria provided, single submitter (1 of 4 stars). 2 submissions from 2 submitters: Likely benign (1). 1 of the submissions does not count toward it. Last evaluated 2018-11-13.

Conditions:
PIEZO2-related disorder. Also called: PIEZO2-related condition; PIEZO2-related disorders.

Allele frequency attached by ClinVar (database versions not stated): gnomAD exomes 0.00009 and 0.00010; TOPMed 0.00013; gnomAD 0.00014 and 0.00018; 1000 Genomes Project 0.00040; 1000 Genomes Project 30x 0.00047.
gnomAD v4.1: 165 of 1,536,014 alleles (0.011%); highest among the groups gnomAD compares: East Asian, 0.11%; no homozygotes.

Submissions (2):

Labcorp Genetics (formerly Invitae), Labcorp
Classification: Likely benign. Last evaluated: 2018-11-13. Review status: criteria provided, single submitter. Criteria: Invitae Variant Classification Sherloc (09022015). Collection method: clinical testing. Allele origin: germline.

PreventionGenetics, part of Exact Sciences
Classification: Likely benign for PIEZO2-related condition. Last evaluated: 2019-08-07. Review status: no assertion criteria provided. Collection method: clinical testing. Allele origin: germline. Not counted in ClinVar's aggregate classification.
Comment: This variant is classified as likely benign based on ACMG/AMP sequence variant interpretation guidelines (Richards et al. 2015 PMID: 25741868, with internal and published modifications).